The following is an entry in ClinVar:

ClinVar aggregate classification (germline): Pathogenic (1 of 4 stars; one submission).

Conditions:
Ehlers-Danlos syndrome, dermatosparaxis type. Also called: EDS VIIC; Dermatosparaxis; Ehlers-Danlos syndrome, type VII, autosomal recessive. Identifiers: Orphanet 1901, MedGen C2700425, MONDO:0009161, OMIM 225410.

Submission:

Myriad Genetics, Inc.
Classification: Pathogenic for Ehlers-Danlos syndrome, dermatosparaxis type. Last evaluated: 2023-09-27. Review status: criteria provided, single submitter. Criteria: Myriad Autosomal Dominant, Autosomal Recessive and X-Linked Classification Criteria (2023). Collection method: clinical testing. Allele origin: unknown.
Comment: NM_014244.4(ADAMTS2):c.178dupG(V60Gfs*6) is expected to be pathogenic in the context of Ehlers-Danlos syndrome, ADAMTS2-related. This variant is predicted to lead to an abnormal or absent protein product due to the creation of a premature termination codon in ADAMTS2, a gene where loss-of-function variants are known to be pathogenic. Please note: this variant was assessed in the context of healthy population screening.

NM_014244.5(ADAMTS2):c.178dup (p.Val60fs)

Gene: ADAMTS2 (ADAM metallopeptidase with thrombospondin type 1 motif 2; minus strand). Cytogenetic location: 5q35.3.
Variant type: Duplication.
Coding change: c.178dup on transcript NM_014244.5 (MANE Select); coding-DNA position 178, one base duplicated (G; older notation c.178dupG).
Protein change: p.Val60fs; shifts the reading frame from valine 60.
Molecular consequence: frameshift variant.
Genome position (GRCh38, 1-based): chr5:179,344,123, C duplicated on the plus strand (G on the coding strand, the reverse complement: ADAMTS2 is on the minus strand); the first of 2 consecutive C bases (chr5:179,344,123-179,344,124); duplicating either gives the same sequence. VCF-style (leftmost placement, unchanged base first): chr5-179344122-A-AC. GRCh37 (hg19) VCF-style: chr5-178771123-A-AC.
Other names: c.178dup, p.Val60fs (NM_021599.4); short protein forms V60fs.
Identifiers: ClinVar variation 5011886 (VCV005011886.1).